The following is an entry in ClinVar:

NM_020975.6(RET):c.1565G>A (p.Ser522Asn)

Gene: RET (ret proto-oncogene; plus strand). Cytogenetic location: 10q11.21.
Variant type: single nucleotide variant.
Coding change: c.1565G>A on transcript NM_020975.6 (MANE Select); coding-DNA position 1565, G replaced by A.
Protein change: p.Ser522Asn; replaces serine 522 with asparagine.
Molecular consequence: missense variant.
Genome position (GRCh38, 1-based): chr10:43,112,141, G>A. VCF-style: chr10-43112141-G-A. GRCh37 (hg19) VCF-style: chr10-43607589-G-A.
Other names: c.1565G>A, p.Ser522Asn (NM_000323.2, NM_001406743.1, NM_001406744.1 and 6 more transcripts); c.803G>A, p.Ser268Asn (NM_001355216.2); c.1436G>A, p.Ser479Asn (NM_001406761.1, NM_001406762.1, NM_001406764.1 and 1 more transcripts); c.1277G>A, p.Ser426Asn (NM_001406766.1, NM_001406767.1, NM_001406770.1); c.1169G>A, p.Ser390Asn (NM_001406769.1, NM_001406772.1); c.1127G>A, p.Ser376Asn (NM_001406771.1, NM_001406773.1); c.1040G>A, p.Ser347Asn (NM_001406774.1); c.839G>A, p.Ser280Asn (NM_001406775.1, NM_001406776.1, NM_001406777.1 and 1 more transcripts); and 5 more; short protein forms S127N, S280N, S39N, S426N, S479N, S223N, S390N, S522N.
Identifiers: ClinVar variation 2766677 (VCV002766677.3), dbSNP rs1837950880, ClinGen allele CA376550394.

ClinVar aggregate classification (germline): Uncertain significance (1 of 4 stars; one submission).

Conditions:
Multiple endocrine neoplasia, type 2 (MEN2). Identifiers: Orphanet 653, MedGen C4048306, MONDO:0019003. Disease mechanism: gain of function.

Submission:

Labcorp Genetics (formerly Invitae), Labcorp
Classification: Uncertain significance for Multiple endocrine neoplasia, type 2. Last evaluated: 2024-01-18. Review status: criteria provided, single submitter. Criteria: Invitae Variant Classification Sherloc (09022015). Collection method: clinical testing. Allele origin: germline.
Comment: This sequence change replaces serine, which is neutral and polar, with asparagine, which is neutral and polar, at codon 522 of the RET protein (p.Ser522Asn). This variant is not present in population databases (gnomAD no frequency). This variant has not been reported in the literature in individuals affected with RET-related conditions. Algorithms developed to predict the effect of missense changes on protein structure and function output the following: SIFT: "Not Available"; PolyPhen-2: "Benign"; Align-GVGD: "Not Available". The asparagine amino acid residue is found in multiple mammalian species, which suggests that this missense change does not adversely affect protein function. In summary, the available evidence is currently insufficient to determine the role of this variant in disease. Therefore, it has been classified as a Variant of Uncertain Significance.